The following is an entry in ClinVar:

ClinVar aggregate classification (germline): Uncertain significance (1 of 4 stars; one submission).

Conditions:
Duchenne muscular dystrophy (DMD). Also called: MUSCULAR DYSTROPHY, PSEUDOHYPERTROPHIC PROGRESSIVE, DUCHENNE TYPE; Duchenne Muscular Dystrophy (DMD). Identifiers: Orphanet 98896, MedGen C0013264, MONDO:0010679, OMIM 310200.

Allele frequency attached by ClinVar (database versions not stated): gnomAD exomes below 0.00001 and 0.00001; gnomAD 0.00001; ExAC 0.00002; 1000 Genomes Project 0.00026; 1000 Genomes Project 30x 0.00042.
gnomAD v4.1: 3 of 1,208,138 alleles (0.00025%); highest among the groups gnomAD compares: East Asian, 0.0059%; no homozygotes.

Submission:

Labcorp Genetics (formerly Invitae), Labcorp
Classification: Uncertain significance for Duchenne muscular dystrophy. Last evaluated: 2022-08-09. Review status: criteria provided, single submitter. Criteria: Invitae Variant Classification Sherloc (09022015). Collection method: clinical testing. Allele origin: germline.
Comment: This sequence change replaces glutamine, which is neutral and polar, with arginine, which is basic and polar, at codon 2806 of the DMD protein (p.Gln2806Arg). This variant is present in population databases (rs183999778, gnomAD 0.02%). This missense change has been observed in individual(s) with X-linked Duchenne Muscular Dystrophy (PMID: 29604111). ClinVar contains an entry for this variant (Variation ID: 1421267). Algorithms developed to predict the effect of missense changes on protein structure and function (SIFT, PolyPhen-2, Align-GVGD) all suggest that this variant is likely to be tolerated. In summary, the available evidence is currently insufficient to determine the role of this variant in disease. Therefore, it has been classified as a Variant of Uncertain Significance.

Literature cited by the submitters: PubMed 29604111.

NM_004006.3(DMD):c.8417A>G (p.Gln2806Arg)

Gene: DMD (dystrophin; minus strand). Cytogenetic location: Xp21.2.
Variant type: single nucleotide variant.
Coding change: c.8417A>G on transcript NM_004006.3 (MANE Select); coding-DNA position 8417, A replaced by G.
Protein change: p.Gln2806Arg; replaces glutamine 2806 with arginine.
Molecular consequence: missense variant.
Genome position (GRCh38, 1-based): chrX:31,496,918, T>C on the plus strand (A>G on the coding strand, the complement: DMD is on the minus strand). VCF-style: chrX-31496918-T-C. GRCh37 (hg19) VCF-style: chrX-31515035-T-C.
Other names: c.8393A>G, p.Gln2798Arg (NM_000109.4); c.8405A>G, p.Gln2802Arg (NM_004009.3); c.8048A>G, p.Gln2683Arg (NM_004010.3); c.4394A>G, p.Gln1465Arg (NM_004011.4); c.4385A>G, p.Gln1462Arg (NM_004012.4); c.1037A>G, p.Gln346Arg (NM_004013.3, NM_004020.4, NM_004021.3 and 2 more transcripts); c.230A>G, p.Gln77Arg (NM_004014.3); short protein forms Q1462R, Q1465R, Q2683R, Q2806R, Q346R, Q2798R, Q2802R, Q77R.
Identifiers: ClinVar variation 1421267 (VCV001421267.5), dbSNP rs183999778, ClinGen allele CA10378070.
Genomic context (GRCh38, chrX:31,496,918, plus strand): 5'-TCATCTTTCAGCTGTAGCCACACCAGAAGTTCCTGCAGAGAAAGGTGCAGACGCTTCCAC[T>C]GGTCAGAACTGGCTTCCAAATGGGACCTGAAAAAGAACAGCAGCGTACCATGTCAGAATA-3'
Protein context (NP_003997.2, residues 2796-2816): IRSHLEASSD[Gln2806Arg]WKRLHLSLQE